The following is an entry in ClinVar:

ClinVar aggregate classification (germline): Likely benign. Review status: criteria provided, multiple submitters, no conflicts (2 of 4 stars). 2 submissions from 2 submitters: Likely benign (2). Last evaluated 2024-04-19.

Conditions:
SHORT syndrome. Also called: LIPODYSTROPHY, PARTIAL, WITH RIEGER ANOMALY AND SHORT STATURE; PIK3R1-Related SHORT Syndrome; SHORT STATURE, HYPEREXTENSIBILITY, HERNIA, OCULAR DEPRESSION, RIEGER ANOMALY, AND TEETHING DELAY. Identifiers: Orphanet 3163, MedGen C0878684, MONDO:0010026, OMIM 269880.
Agammaglobulinemia 7, autosomal recessive (AGM7). Also called: AGAMMAGLOBULINEMIA, AUTOSOMAL RECESSIVE, DUE TO PIK3R1 DEFECT. Identifiers: MedGen C3554689, MONDO:0014083, OMIM 615214.
Immunodeficiency 36 with lymphoproliferation. Also called: Immunodeficiency 36; ACTIVATED PI3K-DELTA SYNDROME 2; Activated PI3K Delta Syndrome Type 2 (APDS2). Identifiers: Orphanet 397596, Orphanet 693681, MedGen C4014934, MONDO:0014453, OMIM 616005.

Allele frequency attached by ClinVar (database versions not stated): gnomAD exomes below 0.00001.
gnomAD v4.1: 3 of 1,584,426 alleles (0.00019%); highest among the groups gnomAD compares: Non-Finnish European, 0.00026%; no homozygotes.

Submissions (2):

Women's Health and Genetics/Laboratory Corporation of America, LabCorp
Classification: Likely benign. Last evaluated: 2024-04-19. Review status: criteria provided, single submitter. Criteria: LabCorp Variant Classification Summary - May 2015. Collection method: clinical testing. Allele origin: germline.
Comment: Variant summary: PIK3R1 c.1985+19C>A alters a non-conserved nucleotide located at a position not widely known to affect splicing. Consensus agreement among computation tools predict no significant impact on normal splicing. However, these predictions have yet to be confirmed by functional studies. The variant was absent in 234694 control chromosomes. The available data on variant occurrences in the general population are insufficient to allow any conclusion about variant significance. To our knowledge, no occurrence of c.1985+19C>A in individuals affected with SHORT Syndrome and no experimental evidence demonstrating its impact on protein function have been reported. ClinVar contains an entry for this variant (Variation ID: 2937662). Based on the evidence outlined above, the variant was classified as likely benign.

Labcorp Genetics (formerly Invitae), Labcorp
Classification: Likely benign for SHORT syndrome; Immunodeficiency 36 with lymphoproliferation; Agammaglobulinemia 7, autosomal recessive. Last evaluated: 2023-02-01. Review status: criteria provided, single submitter. Criteria: Invitae Variant Classification Sherloc (09022015). Collection method: clinical testing. Allele origin: germline.

NM_181523.3(PIK3R1):c.1985+19C>A

Gene: PIK3R1 (phosphoinositide-3-kinase regulatory subunit 1; plus strand). Cytogenetic location: 5q13.1.
Variant type: single nucleotide variant.
Coding change: c.1985+19C>A on transcript NM_181523.3 (MANE Select); 19 bases into the intron after coding-DNA position 1985, C replaced by A.
Molecular consequence: intron variant.
Genome position (GRCh38, 1-based): chr5:68,296,360, C>A. VCF-style: chr5-68296360-C-A. GRCh37 (hg19) VCF-style: chr5-67592188-C-A.
Other names: c.1085+19C>A (NM_181524.2); c.1175+19C>A (NM_181504.4); c.896+19C>A (NM_001242466.2).
Identifiers: ClinVar variation 2937662 (VCV002937662.4), dbSNP rs1438728156, ClinGen allele CA813396303.